The following is an entry in ClinVar:

NM_000194.3(HPRT1):c.508C>T (p.Arg170Ter)

Gene: HPRT1 (hypoxanthine phosphoribosyltransferase 1; plus strand). Cytogenetic location: Xq26.2.
Variant type: single nucleotide variant.
Coding change: c.508C>T on transcript NM_000194.3 (MANE Select); coding-DNA position 508, C replaced by T.
Protein change: p.Arg170Ter; replaces arginine 170 with a stop codon.
Molecular consequence: nonsense.
Genome position (GRCh38, 1-based): chrX:134,498,412, C>T. VCF-style: chrX-134498412-C-T. GRCh37 (hg19) VCF-style: chrX-133632442-C-T.
Other names: short protein forms R170*.
Identifiers: ClinVar variation 10063 (VCV000010063.6), dbSNP rs137852497, ClinGen allele CA255005.

ClinVar aggregate classification (germline): Pathogenic/Likely pathogenic. Review status: criteria provided, multiple submitters, no conflicts (2 of 4 stars). 4 submissions from 4 submitters: Pathogenic (2); Likely pathogenic (1). 1 of the submissions does not count toward it. Last evaluated 2024-06-03.

Conditions:
HPRT1-related disorder. Also called: HPRT1-related disorders; HPRT1-related condition.
Lesch-Nyhan syndrome (LNS). Also called: Lesch-Nyhan Disease (LND); HPRT DEFICIENCY, COMPLETE. Identifiers: Orphanet 510, MedGen C0023374, MONDO:0010298, OMIM 300322.
Partial hypoxanthine-guanine phosphoribosyltransferase deficiency. Also called: HPRT DEFICIENCY, PARTIAL; HYPOXANTHINE GUANINE PHOSPHORIBOSYLTRANSFERASE 1 DEFICIENCY, PARTIAL; HPRT1 DEFICIENCY, PARTIAL; GOUT, HPRT-RELATED; Kelley-Seegmiller Syndrome. Identifiers: Orphanet 79233, MedGen C0268117, MONDO:0010299, OMIM 300323.

Submissions (4):

Blueprint Genetics
Classification: Pathogenic for HPRT1-related disorders. Last evaluated: 2024-06-03. Review status: criteria provided, single submitter. Criteria: ACMG Guidelines, 2015. Collection method: clinical testing. Allele origin: germline. Affected: yes. Observed: 2 variant alleles.

Genomic Medicine Center of Excellence, King Faisal Specialist Hospital and Research Centre
Classification: Likely pathogenic for Lesch-Nyhan syndrome. Last evaluated: 2024-04-04. Review status: criteria provided, single submitter. Criteria: ACMG Guidelines, 2015. Collection method: clinical testing. Allele origin: germline.

Labcorp Genetics (formerly Invitae), Labcorp
Classification: Pathogenic for Lesch-Nyhan syndrome; Partial hypoxanthine-guanine phosphoribosyltransferase deficiency. Last evaluated: 2023-08-25. Review status: criteria provided, single submitter. Criteria: Invitae Variant Classification Sherloc (09022015). Collection method: clinical testing. Allele origin: germline.
Comment: This premature translational stop signal has been observed in individual(s) with Lesch-Nyhan disease (PMID: 25481104). This variant is not present in population databases (gnomAD no frequency). This sequence change creates a premature translational stop signal (p.Arg170*) in the HPRT1 gene. It is expected to result in an absent or disrupted protein product. Loss-of-function variants in HPRT1 are known to be pathogenic (PMID: 15571220, 17027311, 22157001). ClinVar contains an entry for this variant (Variation ID: 10063). For these reasons, this variant has been classified as Pathogenic.

OMIM
Classification: Pathogenic for LESCH-NYHAN SYNDROME. Last evaluated: 2000-03-01. Review status: no assertion criteria provided. Collection method: literature only. Allele origin: germline. Not counted in ClinVar's aggregate classification.

Literature cited by the submitters: PubMed 25481104 (cited by Labcorp Genetics (formerly Invitae), Labcorp); PubMed 15571220 (cited by Labcorp Genetics (formerly Invitae), Labcorp); PubMed 17027311 (cited by Labcorp Genetics (formerly Invitae), Labcorp); PubMed 22157001 (cited by Labcorp Genetics (formerly Invitae), Labcorp); PubMed 2928313 (cited by OMIM); PubMed 1618489 (cited by OMIM); PubMed 2071157 (cited by OMIM); PubMed 10767182 (cited by OMIM).